The following is an entry in ClinVar:

NM_001366521.1(ATP2B1):c.2537G>A (p.Arg846Gln)

Gene: ATP2B1 (ATPase plasma membrane Ca2+ transporting 1; minus strand). Cytogenetic location: 12q21.33.
Variant type: single nucleotide variant.
Coding change: c.2537G>A on transcript NM_001366521.1 (MANE Select); coding-DNA position 2537, G replaced by A.
Protein change: p.Arg846Gln; replaces arginine 846 with glutamine.
Molecular consequence: missense variant. On other transcripts: non-coding transcript variant (3).
Genome position (GRCh38, 1-based): chr12:89,604,252, C>T on the plus strand (G>A on the coding strand, the complement: ATP2B1 is on the minus strand). VCF-style: chr12-89604252-C-T. GRCh37 (hg19) VCF-style: chr12-89998029-C-T.
Other names: c.2537G>A, p.Arg846Gln (NM_001001323.2, NM_001366520.1, NM_001366522.1 and 12 more transcripts); c.2339G>A, p.Arg780Gln (NM_001366530.1, NM_001413053.1); c.1976G>A, p.Arg659Gln (NM_001366531.1, NM_001366532.1, NM_001413058.1 and 2 more transcripts); c.2498G>A, p.Arg833Gln (NM_001413048.1); c.2396G>A, p.Arg799Gln (NM_001413051.1, NM_001413052.1, NM_001413055.1); c.2294G>A, p.Arg765Gln (NM_001413054.1); c.2282G>A, p.Arg761Gln (NM_001413056.1); c.2084G>A, p.Arg695Gln (NM_001413057.1); short protein forms R695Q, R780Q, R846Q, R761Q, R833Q, R659Q, R765Q, R799Q.
Identifiers: ClinVar variation 4175958 (VCV004175958.3).

ClinVar aggregate classification (germline): Uncertain significance. Review status: criteria provided, multiple submitters, no conflicts (2 of 4 stars). 2 submissions from 2 submitters: Uncertain significance (2). Last evaluated 2026-02-04.

Conditions:
Inborn genetic diseases. Identifiers: MedGen C0950123, MeSH D030342.

Submissions (2):

GeneDx
Classification: Uncertain significance. Last evaluated: 2026-02-04. Review status: criteria provided, single submitter. Criteria: GeneDx Variant Classification Process June 2021. Collection method: clinical testing. Allele origin: germline.
Comment: Not observed at significant frequency in large population cohorts (gnomAD); In silico analysis supports that this missense variant has a deleterious effect on protein structure/function; Has not been previously published as pathogenic or benign to our knowledge

Ambry Genetics
Classification: Uncertain significance for Inborn genetic diseases. Last evaluated: 2025-10-14. Review status: criteria provided, single submitter. Criteria: Ambry Variant Classification Scheme 2023. Collection method: clinical testing. Allele origin: germline.
Comment: The c.2537G>A (p.R846Q) alteration is located in exon 15 (coding exon 15) of the ATP2B1 gene. This alteration results from a G to A substitution at nucleotide position 2537, causing the arginine (R) at amino acid position 846 to be replaced by a glutamine (Q). This variant was not reported in population-based cohorts in the Genome Aggregation Database (gnomAD). This amino acid position is highly conserved in available vertebrate species. This missense alteration is located in a region that has a low rate of benign missense variation (Lek, 2016; Firth, 2009). This alteration is predicted to be deleterious by in silico analysis. Based on insufficient or conflicting evidence, the clinical significance of this alteration remains unclear.